The following is an entry in ClinVar:

NM_003098.3(SNTA1):c.1151A>G (p.Glu384Gly)

Gene: SNTA1 (syntrophin alpha 1; minus strand). Cytogenetic location: 20q11.21.
Variant type: single nucleotide variant.
Coding change: c.1151A>G on transcript NM_003098.3 (MANE Select); coding-DNA position 1151, A replaced by G.
Protein change: p.Glu384Gly; replaces glutamic acid 384 with glycine.
Molecular consequence: missense variant.
Genome position (GRCh38, 1-based): chr20:33,410,221, T>C on the plus strand (A>G on the coding strand, the complement: SNTA1 is on the minus strand). VCF-style: chr20-33410221-T-C. GRCh37 (hg19) VCF-style: chr20-31998027-T-C.
Other names: short protein forms E384G.
Identifiers: ClinVar variation 1362765 (VCV001362765.12), dbSNP rs1365956176, ClinGen allele CA408630652.

ClinVar aggregate classification (germline): Uncertain significance. Review status: criteria provided, multiple submitters, no conflicts (2 of 4 stars). 3 submissions from 3 submitters: Uncertain significance (3). Last evaluated 2025-09-10.

Conditions:
Cardiovascular phenotype. Identifiers: MedGen CN230736.
Long QT syndrome (LQTS). Identifiers: MedGen C0023976, MeSH D008133, MONDO:0002442. Disease mechanism: loss of function. Inheritance: Various modes of inheritance.

Allele frequency attached by ClinVar (database versions not stated): TOPMed below 0.00001; gnomAD exomes 0.00001.

Submissions (3):

Labcorp Genetics (formerly Invitae), Labcorp
Classification: Uncertain significance for Long QT syndrome. Last evaluated: 2025-09-10. Review status: criteria provided, single submitter. Criteria: Invitae Variant Classification Sherloc (09022015). Collection method: clinical testing. Allele origin: germline.
Comment: This sequence change replaces glutamic acid, which is acidic and polar, with glycine, which is neutral and non-polar, at codon 384 of the SNTA1 protein (p.Glu384Gly). This variant is present in population databases (no rsID available, gnomAD 0.006%). This variant has not been reported in the literature in individuals affected with SNTA1-related conditions. ClinVar contains an entry for this variant (Variation ID: 1362765). Invitae Evidence Modeling of protein sequence and biophysical properties (such as structural, functional, and spatial information, amino acid conservation, physicochemical variation, residue mobility, and thermodynamic stability) indicates that this missense variant is not expected to disrupt SNTA1 protein function with a negative predictive value of 80%. Algorithms developed to predict the effect of sequence changes on RNA splicing suggest that this variant may disrupt the consensus splice site. In summary, the available evidence is currently insufficient to determine the role of this variant in disease. Therefore, it has been classified as a Variant of Uncertain Significance.

Ambry Genetics
Classification: Uncertain significance for Cardiovascular phenotype. Last evaluated: 2024-08-06. Review status: criteria provided, single submitter. Criteria: Ambry Variant Classification Scheme 2023. Collection method: clinical testing. Allele origin: germline.
Comment: The p.E384G variant (also known as c.1151A>G), located in coding exon 6 of the SNTA1 gene, results from an A to G substitution at nucleotide position 1151. The glutamic acid at codon 384 is replaced by glycine, an amino acid with similar properties. This amino acid position is well conserved in available vertebrate species. In addition, the in silico prediction for this alteration is inconclusive. The evidence for this gene-disease relationship is limited; therefore, the clinical significance of this alteration is unclear.

AiLife Diagnostics
Classification: Uncertain significance. Last evaluated: 2021-11-09. Review status: criteria provided, single submitter. Criteria: ACMG Guidelines, 2015. Collection method: clinical testing. Allele origin: germline. Affected: yes. Observed: 1 variant allele.